The following is an entry in ClinVar:

NM_007194.4(CHEK2):c.320-1G>A

Gene: CHEK2 (checkpoint kinase 2; minus strand). Cytogenetic location: 22q12.1.
Variant type: single nucleotide variant.
Coding change: c.320-1G>A on transcript NM_007194.4 (MANE Select); the canonical splice acceptor site of the intron before coding-DNA position 320, G replaced by A.
Molecular consequence: splice acceptor variant.
Genome position (GRCh38, 1-based): chr22:28,725,368, C>T on the plus strand (G>A on the coding strand, the complement: CHEK2 is on the minus strand). VCF-style: chr22-28725368-C-T. GRCh37 (hg19) VCF-style: chr22-29121356-C-T.
Other names: c.-344-1G>A (NM_001437942.1); c.320-1G>A (NM_001349956.3, NM_145862.3); c.-458-1G>A (NM_001257387.3); c.413-1G>A (NM_001438295.1, NM_001438293.1); c.449-1G>A (NM_001438294.1, NM_001005735.3).
Identifiers: ClinVar variation 2584120 (VCV002584120.2), dbSNP rs864622613, ClinGen allele CA411108307.

ClinVar aggregate classification (germline): Likely pathogenic (1 of 4 stars; one submission).

Conditions:
Familial cancer of breast. Also called: BREAST CANCER, FAMILIAL; hereditary breast carcinoma; Hereditary breast cancer. Identifiers: Orphanet 227535, MedGen C0346153, MONDO:0016419, OMIM 114480. Disease mechanism: loss of function.

Allele frequency attached by ClinVar (database versions not stated): gnomAD exomes 0.00001.
gnomAD v4.1: 7 of 1,614,046 alleles (0.00043%); highest among the groups gnomAD compares: South Asian, 0.0011%; no homozygotes.

Submission:

Myriad Genetics, Inc.
Classification: Likely pathogenic for Familial cancer of breast. Last evaluated: 2023-06-23. Review status: criteria provided, single submitter. Criteria: Myriad Autosomal Dominant, Autosomal Recessive and X-Linked Classification Criteria (2023). Collection method: clinical testing. Allele origin: unknown.
Comment: This variant is considered likely pathogenic. This variant occurs within a consensus splice junction and is predicted to result in abnormal mRNA splicing of either an out-of-frame exon or an in-frame exon necessary for protein stability and/or normal function.